The following is an entry in ClinVar:

ClinVar aggregate classification (germline): Benign. Review status: criteria provided, multiple submitters, no conflicts (2 of 4 stars). 4 submissions from 4 submitters: Benign (4). Last evaluated 2026-01-26.

Conditions:
Epidermolysis bullosa, junctional 6, with pyloric atresia. Also called: ITGA6-Related Epidermolysis Bullosa with Pyloric Atresia. Identifiers: MedGen C5676957, MONDO:0859233, OMIM 619817.
Junctional epidermolysis bullosa with pyloric atresia. Also called: EPIDERMOLYSIS BULLOSA, JUNCTIONAL 5B, WITH PYLORIC ATRESIA; EB-PA-ACC; Epidermolysis bullosa, junctional, with pyloric atresia and aplasia cutis congenita; Epidermolysis bullosa junctionalis with pyloric atresia; ITGB4-Related Epidermolysis Bullosa with Pyloric Atresia; Junctional Epidermolysis Bullosa- Pyloric Atresia Syndrome. Identifiers: Orphanet 79403, MedGen C5676875, MONDO:0009183, OMIM 226730.

Allele frequency attached by ClinVar (database versions not stated): gnomAD exomes 0.00063 and 0.00145; ExAC 0.00185; gnomAD 0.00545 and 0.00578; TOPMed 0.00622; ESP Exome Variant Server 0.00661; 1000 Genomes Project 0.00739; 1000 Genomes Project 30x 0.00859.
gnomAD v4.1: 1,786 of 1,606,106 alleles (0.11%); highest among the groups gnomAD compares: African/African-American, 2%; 20 homozygotes.

Submissions (4):

Labcorp Genetics (formerly Invitae), Labcorp
Classification: Benign. Last evaluated: 2026-01-26. Review status: criteria provided, single submitter. Criteria: Invitae Variant Classification Sherloc (09022015). Collection method: clinical testing. Allele origin: germline.

Fulgent Genetics
Classification: Benign for Epidermolysis bullosa, junctional 6, with pyloric atresia. Last evaluated: 2021-07-27. Review status: criteria provided, single submitter. Criteria: ACMG Guidelines, 2015. Collection method: clinical testing. Allele origin: unknown.

Illumina Laboratory Services, Illumina
Classification: Benign for Junctional epidermolysis bullosa with pyloric atresia. Last evaluated: 2018-01-13. Review status: criteria provided, single submitter. Criteria: ICSL Variant Classification Criteria 13 December 2019. Collection method: clinical testing. Allele origin: germline.
Comment: This variant was observed in the ICSL laboratory as part of a predisposition screen in an ostensibly healthy population. It had not been previously curated by ICSL or reported in the Human Gene Mutation Database (HGMD: prior to June 1st, 2018), and was therefore a candidate for classification through an automated scoring system. Utilizing variant allele frequency, disease prevalence and penetrance estimates, and inheritance mode, an automated score was calculated to assess if this variant is too frequent to cause the disease. Based on the score and internal cut-off values, a variant classified as benign is not then subjected to further curation. The score for this variant resulted in a classification of benign for this disease.

Breakthrough Genomics
Classification: Benign. Review status: criteria provided, single submitter. Criteria: ACMG Guidelines, 2015. Collection method: not provided. Allele origin: germline. Inheritance: Autosomal recessive inheritance. Affected: yes.

NM_000210.4(ITGA6):c.986+14A>C

Genes: ITGA6 (integrin subunit alpha 6; plus strand), PDK1-AS1 (PDK1 and ITGA6 antisense RNA 1; minus strand). Cytogenetic location: 2q31.1.
Variant type: single nucleotide variant.
Coding change: c.986+14A>C on transcript NM_000210.4 (MANE Select); 14 bases into the intron after coding-DNA position 986, A replaced by C.
Molecular consequence: intron variant.
Genome position (GRCh38, 1-based): chr2:172,474,279, A>C. VCF-style: chr2-172474279-A-C. GRCh37 (hg19) VCF-style: chr2-173339007-A-C.
Other names: c.629+14A>C (NM_001316306.2); c.986+14A>C (NM_001079818.3, NM_001365530.2, NM_001365529.2).
Identifiers: ClinVar variation 893155 (VCV000893155.10), dbSNP rs138182078, ClinGen allele CA1968008.